The following is an entry in ClinVar:

ClinVar aggregate classification (germline): Uncertain significance (1 of 4 stars; one submission).

Conditions:
Intellectual disability, X-linked, with or without seizures, ARX-related. Also called: MENTAL RETARDATION, X-LINKED 29; MENTAL RETARDATION, X-LINKED 32; MENTAL RETARDATION, X-LINKED 33; MENTAL RETARDATION, X-LINKED 38; MENTAL RETARDATION, X-LINKED 43; MENTAL RETARDATION, X-LINKED 76. Identifiers: Orphanet 777, MedGen C0796244, MONDO:0010317, OMIM 300419.
Developmental and epileptic encephalopathy, 1 (DEE1). Also called: X-linked infantile spasms; West's syndrome; Tonic spasms with clustering, arrest of psychomotor development and hypsarrhythmia on EEG; X-Linked Infantile Spasm Syndrome; OHTAHARA SYNDROME, X-LINKED; Epileptic encephalopathy, early infantile, 1. Identifiers: MedGen C3463992, MONDO:0010632, OMIM 308350. Disease mechanism: loss of function.

Submission:

Labcorp Genetics (formerly Invitae), Labcorp
Classification: Uncertain significance for Developmental and epileptic encephalopathy, 1; Intellectual disability, X-linked, with or without seizures, ARX-related. Last evaluated: 2025-03-19. Review status: criteria provided, single submitter. Criteria: Invitae Variant Classification Sherloc (09022015). Collection method: clinical testing. Allele origin: germline.
Comment: This sequence change replaces arginine, which is basic and polar, with histidine, which is basic and polar, at codon 95 of the ARX protein (p.Arg95His). The frequency data for this variant in the population databases is considered unreliable, as metrics indicate insufficient coverage at this position in the gnomAD database. This variant has not been reported in the literature in individuals affected with ARX-related conditions. Invitae Evidence Modeling of protein sequence and biophysical properties (such as structural, functional, and spatial information, amino acid conservation, physicochemical variation, residue mobility, and thermodynamic stability) indicates that this missense variant is not expected to disrupt ARX protein function with a negative predictive value of 95%. In summary, the available evidence is currently insufficient to determine the role of this variant in disease. Therefore, it has been classified as a Variant of Uncertain Significance.

NM_139058.3(ARX):c.284G>A (p.Arg95His)

Gene: ARX (aristaless related homeobox; minus strand). Cytogenetic location: Xp21.3.
Variant type: single nucleotide variant.
Coding change: c.284G>A on transcript NM_139058.3 (MANE Select); coding-DNA position 284, G replaced by A.
Protein change: p.Arg95His; replaces arginine 95 with histidine.
Molecular consequence: missense variant.
Genome position (GRCh38, 1-based): chrX:25,013,711, C>T on the plus strand (G>A on the coding strand, the complement: ARX is on the minus strand). VCF-style: chrX-25013711-C-T. GRCh37 (hg19) VCF-style: chrX-25031828-C-T.
Other names: short protein forms R95H.
Identifiers: ClinVar variation 4789432 (VCV004789432.1).